The following is an entry in ClinVar:

ClinVar aggregate classification (germline): Conflicting classifications of pathogenicity. Review status: criteria provided, conflicting classifications (1 of 4 stars). 2 submissions from 2 submitters: Uncertain significance (1); Likely benign (1). Last evaluated 2025-08-07.

Allele frequency attached by ClinVar (database versions not stated): gnomAD 0.00024; TOPMed 0.00033; ExAC 0.00040; 1000 Genomes Project 30x 0.00062; ESP Exome Variant Server 0.00076.
gnomAD v4.1: 426 of 1,207,814 alleles (0.035%); highest among the groups gnomAD compares: Middle Eastern, 0.047%; 1 homozygote.

Submissions (2):

Ambry Genetics
Classification: Uncertain significance. Last evaluated: 2025-08-07. Review status: criteria provided, single submitter. Criteria: Ambry Variant Classification Scheme 2023. Collection method: clinical testing. Allele origin: germline.

CeGaT Center for Human Genetics Tuebingen
Classification: Likely benign. Last evaluated: 2022-07-01. Review status: criteria provided, single submitter. Criteria: CeGaT Center For Human Genetics Tuebingen Variant Classification Criteria Version 2. Collection method: clinical testing. Allele origin: germline. Affected: yes. Observed: 1 variant allele.
Comment: PRICKLE3: BP4, BS2

NM_006150.5(PRICKLE3):c.1130C>T (p.Pro377Leu)

Gene: PRICKLE3 (prickle planar cell polarity protein 3; minus strand). Cytogenetic location: Xp11.23.
Variant type: single nucleotide variant.
Coding change: c.1130C>T on transcript NM_006150.5 (MANE Select); coding-DNA position 1130, C replaced by T.
Protein change: p.Pro377Leu; replaces proline 377 with leucine.
Molecular consequence: missense variant.
Genome position (GRCh38, 1-based): chrX:49,177,028, G>A on the plus strand (C>T on the coding strand, the complement: PRICKLE3 is on the minus strand). VCF-style: chrX-49177028-G-A. GRCh37 (hg19) VCF-style: chrX-49033377-G-A.
Other names: c.926C>T, p.Pro309Leu (NM_001307979.2); short protein forms P309L, P377L.
Identifiers: ClinVar variation 2507491 (VCV002507491.27), dbSNP rs146977278, ClinGen allele CA10409451.